The following is an entry in ClinVar:

NM_020964.3(EPG5):c.5774C>G (p.Ala1925Gly)

Gene: EPG5 (ectopic P-granules 5 autophagy tethering factor; minus strand). Cytogenetic location: 18q12.3.
Variant type: single nucleotide variant.
Coding change: c.5774C>G on transcript NM_020964.3 (MANE Select); coding-DNA position 5774, C replaced by G.
Protein change: p.Ala1925Gly; replaces alanine 1925 with glycine.
Molecular consequence: missense variant.
Genome position (GRCh38, 1-based): chr18:45,879,108, G>C on the plus strand (C>G on the coding strand, the complement: EPG5 is on the minus strand). VCF-style: chr18-45879108-G-C. GRCh37 (hg19) VCF-style: chr18-43459073-G-C.
Other names: short protein forms A1925G.
Identifiers: ClinVar variation 1492642 (VCV001492642.9), dbSNP rs2145393537, ClinGen allele CA402342660.

ClinVar aggregate classification (germline): Uncertain significance (1 of 4 stars; one submission).

Conditions:
Vici syndrome (VICIS). Identifiers: Orphanet 1493, MedGen C1855772, MONDO:0009452, OMIM 242840.

Allele frequency attached by ClinVar (database versions not stated): gnomAD exomes below 0.00001.

Submission:

Labcorp Genetics (formerly Invitae), Labcorp
Classification: Uncertain significance for Vici syndrome. Last evaluated: 2023-11-27. Review status: criteria provided, single submitter. Criteria: Invitae Variant Classification Sherloc (09022015). Collection method: clinical testing. Allele origin: germline.
Comment: This sequence change replaces alanine, which is neutral and non-polar, with glycine, which is neutral and non-polar, at codon 1925 of the EPG5 protein (p.Ala1925Gly). This variant is not present in population databases (gnomAD no frequency). This variant has not been reported in the literature in individuals affected with EPG5-related conditions. ClinVar contains an entry for this variant (Variation ID: 1492642). Advanced modeling of protein sequence and biophysical properties (such as structural, functional, and spatial information, amino acid conservation, physicochemical variation, residue mobility, and thermodynamic stability) performed at Invitae indicates that this missense variant is not expected to disrupt EPG5 protein function with a negative predictive value of 80%. In summary, the available evidence is currently insufficient to determine the role of this variant in disease. Therefore, it has been classified as a Variant of Uncertain Significance.